The following is an entry in ClinVar:

ClinVar aggregate classification (germline): Benign/Likely benign. Review status: criteria provided, multiple submitters, no conflicts (2 of 4 stars). 19 submissions from 12 submitters: Benign (12); Likely benign (7). Last evaluated 2026-01-28.

Conditions:
Cardiovascular phenotype. Identifiers: MedGen CN230736.
Autosomal recessive limb-girdle muscular dystrophy type 2J (LGMDR10). Also called: Limb-girdle muscular dystrophy, type 2J; MUSCULAR DYSTROPHY, LIMB-GIRDLE, AUTOSOMAL RECESSIVE 10. Identifiers: Orphanet 140922, MedGen C1837342, MONDO:0012127, OMIM 608807.
Dilated cardiomyopathy 1G (CMD1G). Identifiers: Orphanet 154, MedGen C1858763, MONDO:0011400, OMIM 604145.
Cardiomyopathy (CMYO). Also called: Cardiomyopathies. Identifiers: Orphanet 167848, MedGen C0878544, MONDO:0004994, HP:0001638. Inheritance: Various modes of inheritance.
Early-onset myopathy with fatal cardiomyopathy (CMYO5). Also called: Salih Myopathy; CONGENITAL MYOPATHY 5 WITH CARDIOMYOPATHY. Identifiers: Orphanet 289377, MedGen C2673677, MONDO:0012714, OMIM 611705. Disease mechanism: loss of function.
Myopathy, myofibrillar, 9, with early respiratory failure (MFM9). Also called: Hereditary myopathy with early respiratory failure; EDSTROM MYOPATHY; MYOPATHY, PROXIMAL, WITH EARLY RESPIRATORY MUSCLE INVOLVEMENT; Myopathy, distal, with early respiratory failure, autosomal dominant. Identifiers: Orphanet 178464, Orphanet 34521, MedGen C1863599, MONDO:0011362, OMIM 603689.
Tibial muscular dystrophy (TMD). Also called: UDD MYOPATHY; Udd Distal Myopathy – Tibial Muscular Dystrophy; Tibial muscular dystrophy, tardive. Identifiers: Orphanet 609, MedGen C1838244, MONDO:0010870, OMIM 600334.

Allele frequency attached by ClinVar (database versions not stated): gnomAD 0.00045 and 0.00072; TOPMed 0.00083; gnomAD exomes 0.00127; ExAC 0.00141; 1000 Genomes Project 30x 0.00531; 1000 Genomes Project 0.00579.
gnomAD v4.1: 1,259 of 1,612,110 alleles (0.078%); highest among the groups gnomAD compares: East Asian, 2.6%; 23 homozygotes.

Submissions (19):

Labcorp Genetics (formerly Invitae), Labcorp
Classification: Benign for Dilated cardiomyopathy 1G; Autosomal recessive limb-girdle muscular dystrophy type 2J. Last evaluated: 2026-01-28. Review status: criteria provided, single submitter. Criteria: Invitae Variant Classification Sherloc (09022015). Collection method: clinical testing. Allele origin: germline.

Molecular Diagnostic Laboratory for Inherited Cardiovascular Disease, Montreal Heart Institute
Classification: Likely benign. Last evaluated: 2025-04-09. Review status: criteria provided, single submitter. Criteria: ACMG Guidelines, 2015. Collection method: clinical testing. Allele origin: germline. Affected: no.
Comment: BS1;BP1;BP6

Blueprint Genetics
Classification: Likely benign. Last evaluated: 2024-10-31. Review status: criteria provided, single submitter. Criteria: ACMG Guidelines, 2015. Collection method: clinical testing. Allele origin: germline.

Athena Diagnostics
Classification: Benign. Last evaluated: 2024-07-17. Review status: criteria provided, single submitter. Criteria: Athena Diagnostics Criteria. Collection method: clinical testing. Allele origin: unknown.

CHEO Genetics Diagnostic Laboratory, Children's Hospital of Eastern Ontario
Classification: Benign for Cardiomyopathy. Last evaluated: 2022-11-17. Review status: criteria provided, single submitter. Criteria: ACMG Guidelines, 2015. Collection method: clinical testing. Allele origin: germline. Study: Canadian Open Genetics Repository.

Women's Health and Genetics/Laboratory Corporation of America, LabCorp
Classification: Likely benign. Last evaluated: 2022-03-28. Review status: criteria provided, single submitter. Criteria: LabCorp Variant Classification Summary - May 2015. Collection method: clinical testing. Allele origin: germline.

Genome-Nilou Lab
Classification: Benign for Autosomal recessive limb-girdle muscular dystrophy type 2J. Last evaluated: 2021-09-10. Review status: criteria provided, single submitter. Criteria: ACMG Guidelines, 2015. Collection method: clinical testing. Allele origin: germline. Affected: no.

Genome-Nilou Lab
Classification: Benign for Myopathy, myofibrillar, 9, with early respiratory failure. Last evaluated: 2021-09-10. Review status: criteria provided, single submitter. Criteria: ACMG Guidelines, 2015. Collection method: clinical testing. Allele origin: germline. Affected: no.

Genome-Nilou Lab
Classification: Benign for Early-onset myopathy with fatal cardiomyopathy. Last evaluated: 2021-09-10. Review status: criteria provided, single submitter. Criteria: ACMG Guidelines, 2015. Collection method: clinical testing. Allele origin: germline. Affected: no.

Genome-Nilou Lab
Classification: Benign for Tibial muscular dystrophy. Last evaluated: 2021-09-10. Review status: criteria provided, single submitter. Criteria: ACMG Guidelines, 2015. Collection method: clinical testing. Allele origin: germline. Affected: no.

Illumina Laboratory Services, Illumina
Classification: Likely benign for Dilated cardiomyopathy 1G. Last evaluated: 2018-01-13. Review status: criteria provided, single submitter. Criteria: ICSL Variant Classification Criteria 13 December 2019. Collection method: clinical testing. Allele origin: germline.
Comment: This variant was observed in the ICSL laboratory as part of a predisposition screen in an ostensibly healthy population. It had not been previously curated by ICSL or reported in the Human Gene Mutation Database (HGMD: prior to June 1st, 2018), and was therefore a candidate for classification through an automated scoring system. Utilizing variant allele frequency, disease prevalence and penetrance estimates, and inheritance mode, an automated score was calculated to assess if this variant is too frequent to cause the disease. Based on the score and internal cut-off values, a variant classified as likely benign is not then subjected to further curation. The score for this variant resulted in a classification of likely benign for this disease.

Illumina Laboratory Services, Illumina
Classification: Benign for Myopathy, myofibrillar, 9, with early respiratory failure. Last evaluated: 2018-01-13. Review status: criteria provided, single submitter. Criteria: ICSL Variant Classification Criteria 13 December 2019. Collection method: clinical testing. Allele origin: germline.
Comment: This variant was observed in the ICSL laboratory as part of a predisposition screen in an ostensibly healthy population. It had not been previously curated by ICSL or reported in the Human Gene Mutation Database (HGMD: prior to June 1st, 2018), and was therefore a candidate for classification through an automated scoring system. Utilizing variant allele frequency, disease prevalence and penetrance estimates, and inheritance mode, an automated score was calculated to assess if this variant is too frequent to cause the disease. Based on the score and internal cut-off values, a variant classified as benign is not then subjected to further curation. The score for this variant resulted in a classification of benign for this disease.

Illumina Laboratory Services, Illumina
Classification: Likely benign for Early-onset myopathy with fatal cardiomyopathy. Last evaluated: 2018-01-13. Review status: criteria provided, single submitter. Criteria: ICSL Variant Classification Criteria 13 December 2019. Collection method: clinical testing. Allele origin: germline.
Comment: the same text as in the submission from Illumina Laboratory Services, Illumina above.

Illumina Laboratory Services, Illumina
Classification: Benign for Tibial muscular dystrophy. Last evaluated: 2018-01-13. Review status: criteria provided, single submitter. Criteria: ICSL Variant Classification Criteria 13 December 2019. Collection method: clinical testing. Allele origin: germline.
Comment: the same text as in the submission from Illumina Laboratory Services, Illumina above.

Illumina Laboratory Services, Illumina
Classification: Likely benign for Autosomal recessive limb-girdle muscular dystrophy type 2J. Last evaluated: 2018-01-13. Review status: criteria provided, single submitter. Criteria: ICSL Variant Classification Criteria 13 December 2019. Collection method: clinical testing. Allele origin: germline.
Comment: the same text as in the submission from Illumina Laboratory Services, Illumina above.

GeneDx
Classification: Benign. Last evaluated: 2015-09-23. Review status: criteria provided, single submitter. Criteria: GeneDx Variant Classification (06012015). Collection method: clinical testing. Allele origin: germline. Affected: yes.
Comment: This variant is considered likely benign or benign based on one or more of the following criteria: it is a conservative change, it occurs at a poorly conserved position in the protein, it is predicted to be benign by multiple in silico algorithms, and/or has population frequency not consistent with disease.

Laboratory for Molecular Medicine, Mass General Brigham Personalized Medicine
Classification: Benign. Last evaluated: 2013-09-06. Review status: criteria provided, single submitter. Criteria: LMM Criteria. Collection method: clinical testing. Allele origin: germline. Observed: 5 variant alleles.
Comment: Arg21222His in exon 275 of TTN: This variant is not expected to have clinical si gnificance because it has been identified in 5.6% (10/178) of Japanese chromosom es from a broad population by the 1000 Genomes Project (dbSNP rs55677134).

Biesecker Lab/Clinical Genomics Section, National Institutes of Health
Classification: Likely benign. Last evaluated: 2013-06-24. Review status: criteria provided, single submitter. Criteria: Ng et al. (Circ Cardiovasc Genet. 2013). Collection method: research. Allele origin: unknown. Observed: 2 variant alleles. Study: ClinSeq.
Comment: The study set was not selected for affection status in relation to any cancer. Pathogenicity categories were based on literature curation. See Pubmed ID:23861362 for details.

Medical sequencing

Ambry Genetics
Classification: Benign for Cardiovascular phenotype. Last evaluated: 2012-12-10. Review status: criteria provided, single submitter. Criteria: Ambry Autosomal Dominant and X-Linked criteria (10/2015). Collection method: clinical testing. Allele origin: germline. Observed: 1 variant allele.

NM_001267550.2(TTN):c.71369G>A (p.Arg23790His)

Genes: TTN-AS1 (TTN antisense RNA 1; plus strand), TTN (titin; minus strand). Cytogenetic location: 2q31.2.
Variant type: single nucleotide variant.
Coding change: c.71369G>A on transcript NM_001267550.2 (MANE Select); coding-DNA position 71369, G replaced by A.
Protein change: p.Arg23790His; replaces arginine 23790 with histidine.
Molecular consequence: missense variant.
Genome position (GRCh38, 1-based): chr2:178,574,763, C>T on the plus strand (G>A on the coding strand, the complement: TTN is on the minus strand). VCF-style: chr2-178574763-C-T. GRCh37 (hg19) VCF-style: chr2-179439490-C-T.
Other names: c.66446G>A, p.Arg22149His (NM_001256850.1); c.63665G>A, p.Arg21222His (NM_133378.4); c.71369G>A (NM_001267550.1); c.44174G>A, p.Arg14725His (NM_003319.4); c.44549G>A, p.Arg14850His (NM_133432.3); c.44750G>A, p.Arg14917His (NM_133437.4); short protein forms R23790H, R21222H, R22149H, R14917H, R14725H, R14850H.
Identifiers: ClinVar variation 47298 (VCV000047298.28), dbSNP rs55677134, ClinGen allele CA140603.